The following is an entry in ClinVar:

ClinVar aggregate classification (germline): Uncertain significance (1 of 4 stars; one submission).

Allele frequency attached by ClinVar (database versions not stated): TOPMed below 0.00001; ExAC 0.00001; gnomAD 0.00001; gnomAD exomes 0.00001.
gnomAD v4.1: 9 of 1,613,794 alleles (0.00056%); highest among the groups gnomAD compares: Non-Finnish European, 0.00076%; no homozygotes.

Submission:

Labcorp Genetics (formerly Invitae), Labcorp
Classification: Uncertain significance. Last evaluated: 2023-07-29. Review status: criteria provided, single submitter. Criteria: Invitae Variant Classification Sherloc (09022015). Collection method: clinical testing. Allele origin: germline.
Comment: This sequence change replaces methionine, which is neutral and non-polar, with valine, which is neutral and non-polar, at codon 82 of the CYFIP2 protein (p.Met82Val). Experimental studies and prediction algorithms are not available or were not evaluated, and the functional significance of this variant is currently unknown. This variant has not been reported in the literature in individuals affected with CYFIP2-related conditions. In summary, the available evidence is currently insufficient to determine the role of this variant in disease. Therefore, it has been classified as a Variant of Uncertain Significance. This variant is present in population databases (rs759428926, gnomAD 0.002%).

NM_001037333.3(CYFIP2):c.244A>G (p.Met82Val)

Gene: CYFIP2 (cytoplasmic FMR1 interacting protein 2; plus strand). Cytogenetic location: 5q33.3.
Variant type: single nucleotide variant.
Coding change: c.244A>G on transcript NM_001037333.3 (MANE Select); coding-DNA position 244, A replaced by G.
Protein change: p.Met82Val; replaces methionine 82 with valine.
Molecular consequence: missense variant. On other transcripts: intron variant (1).
Genome position (GRCh38, 1-based): chr5:157,294,819, A>G. VCF-style: chr5-157294819-A-G. GRCh37 (hg19) VCF-style: chr5-156721828-A-G.
Other names: c.244A>G, p.Met82Val (NM_001291722.2, NM_014376.4); c.208-1854A>G (NM_001291721.2); short protein forms M82V.
Identifiers: ClinVar variation 2825120 (VCV002825120.3), dbSNP rs759428926, ClinGen allele CA3533307.